The following is an entry in ClinVar:

ClinVar aggregate classification (germline): Uncertain significance (1 of 4 stars; one submission).

Allele frequency attached by ClinVar (database versions not stated): 1000 Genomes Project below 0.00001; ExAC 0.00005; gnomAD exomes 0.00005 and 0.00016; gnomAD 0.00007 and 0.00008; ESP Exome Variant Server 0.00008; TOPMed 0.00008; 1000 Genomes Project 30x 0.00016.
gnomAD v4.1: 239 of 1,609,058 alleles (0.015%); highest among the groups gnomAD compares: East Asian, 0.029%; no homozygotes.

Submission:

Labcorp Genetics (formerly Invitae), Labcorp
Classification: Uncertain significance. Last evaluated: 2025-09-02. Review status: criteria provided, single submitter. Criteria: Invitae Variant Classification Sherloc (09022015). Collection method: clinical testing. Allele origin: germline.
Comment: This sequence change replaces arginine, which is basic and polar, with glutamine, which is neutral and polar, at codon 76 of the CEP250 protein (p.Arg76Gln). This variant is present in population databases (rs199579943, gnomAD 0.02%). This variant has not been reported in the literature in individuals affected with CEP250-related conditions. ClinVar contains an entry for this variant (Variation ID: 849098). An algorithm developed to predict the effect of missense changes on protein structure and function outputs the following: PolyPhen-2: "Benign". The glutamine amino acid residue is found in multiple mammalian species, which suggests that this missense change does not adversely affect protein function. In summary, the available evidence is currently insufficient to determine the role of this variant in disease. Therefore, it has been classified as a Variant of Uncertain Significance.

NM_007186.6(CEP250):c.227G>A (p.Arg76Gln)

Gene: CEP250 (centrosomal protein 250; plus strand). Cytogenetic location: 20q11.22.
Variant type: single nucleotide variant.
Coding change: c.227G>A on transcript NM_007186.6 (MANE Select); coding-DNA position 227, G replaced by A.
Protein change: p.Arg76Gln; replaces arginine 76 with glutamine.
Molecular consequence: missense variant. On other transcripts: 5 prime UTR variant (1).
Genome position (GRCh38, 1-based): chr20:35,463,615, G>A. VCF-style: chr20-35463615-G-A. GRCh37 (hg19) VCF-style: chr20-34051440-G-A.
Other names: c.-1673G>A (NM_001318219.1); short protein forms R76Q.
Identifiers: ClinVar variation 849098 (VCV000849098.6), dbSNP rs199579943, ClinGen allele CA9832539.